The following is an entry in ClinVar:

ClinVar aggregate classification (germline): Uncertain significance (1 of 4 stars; one submission).

Conditions:
Cardiovascular phenotype. Identifiers: MedGen CN230736.

Submission:

Ambry Genetics
Classification: Uncertain significance for Cardiovascular phenotype. Last evaluated: 2025-05-03. Review status: criteria provided, single submitter. Criteria: Ambry Variant Classification Scheme 2023. Collection method: clinical testing. Allele origin: germline.
Comment: The p.R1329S variant (also known as c.3985C>A), located in coding exon 32 of the CACNA1C gene, results from a C to A substitution at nucleotide position 3985. The arginine at codon 1329 is replaced by serine, an amino acid with dissimilar properties. This amino acid position is highly conserved in available vertebrate species. In addition, this alteration is predicted to be deleterious by in silico analysis. Based on the available evidence, the clinical significance of this variant remains unclear.

NM_000719.7(CACNA1C):c.3985C>A (p.Arg1329Ser)

Gene: CACNA1C (calcium voltage-gated channel subunit alpha1 C; plus strand). Cytogenetic location: 12p13.33.
Variant type: single nucleotide variant.
Coding change: c.3985C>A on transcript NM_000719.7 (MANE Select); coding-DNA position 3985, C replaced by A.
Protein change: p.Arg1329Ser; replaces arginine 1329 with serine.
Molecular consequence: missense variant.
Genome position (GRCh38, 1-based): chr12:2,651,679, C>A. VCF-style: chr12-2651679-C-A. GRCh37 (hg19) VCF-style: chr12-2760845-C-A.
Other names: c.4129C>A, p.Arg1377Ser (NM_001129827.2, NM_199460.4); c.4051C>A, p.Arg1351Ser (NM_001129829.2); c.3985C>A, p.Arg1329Ser (NM_001129830.3, NM_001129833.2, NM_001129834.2 and 7 more transcripts); c.4069C>A, p.Arg1357Ser (NM_001129831.2); c.4045C>A, p.Arg1349Ser (NM_001129832.2); c.4036C>A, p.Arg1346Ser (NM_001129836.2); c.3952C>A, p.Arg1318Ser (NM_001129837.2, NM_001129838.2, NM_001129846.2 and 1 more transcripts); c.3946C>A, p.Arg1316Ser (NM_001129839.2); and 1 more; short protein forms R1326S, R1349S, R1351S, R1346S, R1329S, R1357S, R1316S, R1318S.
Identifiers: ClinVar variation 3994417 (VCV003994417.1).